The following is an entry in ClinVar:

NM_016356.5(DCDC2):c.162C>T (p.Gly54=)

Genes: DCDC2 (doublecortin domain containing 2; minus strand), KAAG1 (kidney associated DCDC2 antisense RNA 1; plus strand). Cytogenetic location: 6p22.3.
Variant type: single nucleotide variant.
Coding change: c.162C>T on transcript NM_016356.5 (MANE Select); coding-DNA position 162, C replaced by T.
Protein change: p.Gly54=; no amino-acid change (glycine 54 retained).
Molecular consequence: synonymous variant. On other transcripts: non-coding transcript variant (1).
Genome position (GRCh38, 1-based): chr6:24,357,589, G>A on the plus strand (C>T on the coding strand, the complement: DCDC2 is on the minus strand). VCF-style: chr6-24357589-G-A. GRCh37 (hg19) VCF-style: chr6-24357817-G-A.
Other names: c.162C>T, p.Gly54= (NM_001195610.2).
Identifiers: ClinVar variation 3048480 (VCV003048480.2), dbSNP rs2532474604, ClinGen allele CA448963354.

ClinVar aggregate classification (germline): Likely benign (0 of 4 stars; one submission).

Conditions:
DCDC2-related disorder. Also called: DCDC2-related condition.

Allele frequency attached by ClinVar (database versions not stated): gnomAD exomes below 0.00001.
gnomAD v4.1: 1 of 1,613,488 alleles (0.000062%); highest among the groups gnomAD compares: Non-Finnish European, 0.000085%; no homozygotes.

Submission:

PreventionGenetics, part of Exact Sciences
Classification: Likely benign for DCDC2-related condition. Last evaluated: 2022-04-18. Review status: no assertion criteria provided. Collection method: clinical testing. Allele origin: germline.
Comment: This variant is classified as likely benign based on ACMG/AMP sequence variant interpretation guidelines (Richards et al. 2015 PMID: 25741868, with internal and published modifications).